The following is an entry in ClinVar:

NM_002709.3(PPP1CB):c.142C>G (p.Gln48Glu)

Gene: PPP1CB (protein phosphatase 1 catalytic subunit beta; plus strand). Cytogenetic location: 2p23.2.
Variant type: single nucleotide variant.
Coding change: c.142C>G on transcript NM_002709.3 (MANE Select); coding-DNA position 142, C replaced by G.
Protein change: p.Gln48Glu; replaces glutamine 48 with glutamic acid.
Molecular consequence: missense variant.
Genome position (GRCh38, 1-based): chr2:28,776,940, C>G. VCF-style: chr2-28776940-C-G. GRCh37 (hg19) VCF-style: chr2-28999806-C-G.
Other names: c.142C>G, p.Gln48Glu (NM_206876.2); short protein forms Q48E.
Identifiers: ClinVar variation 2637301 (VCV002637301.3), dbSNP rs2465724561, ClinGen allele CA346581071.
Genomic context (GRCh38, chr2:28,776,940, plus strand): 5'-CAGATGACTGAAGCAGAAGTTCGAGGCTTATGTATCAAGTCTCGGGAGATCTTTCTCAGC[C>G]AGCCTATTCTTTTGGAATTGGAAGCACCGCTGAAAATTTGTGGTATGTAAATGGGTAAAG-3'
Protein context (NP_002700.1, residues 38-58): CIKSREIFLS[Gln48Glu]PILLELEAPL

ClinVar aggregate classification (germline): Uncertain significance. Review status: criteria provided, multiple submitters, no conflicts (2 of 4 stars). 2 submissions from 2 submitters: Uncertain significance (2). Last evaluated 2026-08-21.

Conditions:
PPP1CB-related disorder. Also called: PPP1CB-related condition.

Submissions (2):

PreventionGenetics, part of Exact Sciences
Classification: Uncertain significance for PPP1CB-related condition. Last evaluated: 2026-08-21. Review status: criteria provided, single submitter. Criteria: ACMG Guidelines, 2015. Collection method: clinical testing. Allele origin: germline.
Comment: The PPP1CB c.142C>G variant is predicted to result in the amino acid substitution p.Gln48Glu. To our knowledge, this variant has not been reported in the literature or in a large population database (gnomAD), indicating this variant is rare. Of note, a neighboring variant (p.Pro49Arg) is a known recurrent de novo variant in patients presenting with macrocephaly, developmental delay, and ear and hair anomalies (Gripp et al. 2016. PubMed ID: 27264673). At this time, the clinical significance of the c.142C>G (p.Gln48Glu) variant is uncertain due to the absence of conclusive functional and genetic evidence.

Labcorp Genetics (formerly Invitae), Labcorp
Classification: Uncertain significance. Last evaluated: 2025-08-03. Review status: criteria provided, single submitter. Criteria: Invitae Variant Classification Sherloc (09022015). Collection method: clinical testing. Allele origin: germline.
Comment: This sequence change replaces glutamine, which is neutral and polar, with glutamic acid, which is acidic and polar, at codon 48 of the PPP1CB protein (p.Gln48Glu). This variant is not present in population databases (gnomAD no frequency). This variant has not been reported in the literature in individuals affected with PPP1CB-related conditions. ClinVar contains an entry for this variant (Variation ID: 2637301). Invitae Evidence Modeling of protein sequence and biophysical properties (such as structural, functional, and spatial information, amino acid conservation, physicochemical variation, residue mobility, and thermodynamic stability) indicates that this missense variant is not expected to disrupt PPP1CB protein function with a negative predictive value of 80%. In summary, the available evidence is currently insufficient to determine the role of this variant in disease. Therefore, it has been classified as a Variant of Uncertain Significance.